The following is an entry in ClinVar:

ClinVar aggregate classification (germline): Likely benign. Review status: criteria provided, multiple submitters, no conflicts (2 of 4 stars). 2 submissions from 2 submitters: Likely benign (2). Last evaluated 2023-03-10.

Conditions:
Dystonia 12 (DYT12). Also called: DYT-ATP1A3; Rapid-Onset Dystonia-Parkinsonism (RDP). Identifiers: Orphanet 71517, MedGen C1868681, MONDO:0007496, OMIM 128235.

Allele frequency attached by ClinVar (database versions not stated): TOPMed below 0.00001; gnomAD 0.00001; gnomAD exomes 0.00003.
gnomAD v4.1: 45 of 1,614,116 alleles (0.0028%); highest among the groups gnomAD compares: Non-Finnish European, 0.0037%; no homozygotes.

Submissions (2):

Labcorp Genetics (formerly Invitae), Labcorp
Classification: Likely benign for Dystonia 12. Last evaluated: 2023-03-10. Review status: criteria provided, single submitter. Criteria: Invitae Variant Classification Sherloc (09022015). Collection method: clinical testing. Allele origin: germline.

GeneDx
Classification: Likely benign. Last evaluated: 2018-01-29. Review status: criteria provided, single submitter. Criteria: GeneDx Variant Classification (06012015). Collection method: clinical testing. Allele origin: germline. Affected: yes.
Comment: This variant is considered likely benign or benign based on one or more of the following criteria: it is a conservative change, it occurs at a poorly conserved position in the protein, it is predicted to be benign by multiple in silico algorithms, and/or has population frequency not consistent with disease.

NM_152296.5(ATP1A3):c.2523C>T (p.Ser841=)

Gene: ATP1A3 (ATPase Na+/K+ transporting subunit alpha 3; minus strand). Cytogenetic location: 19q13.2.
Variant type: single nucleotide variant.
Coding change: c.2523C>T on transcript NM_152296.5 (MANE Select); coding-DNA position 2523, C replaced by T.
Protein change: p.Ser841=; no amino-acid change (serine 841 retained).
Molecular consequence: synonymous variant.
Genome position (GRCh38, 1-based): chr19:41,970,204, G>A on the plus strand (C>T on the coding strand, the complement: ATP1A3 is on the minus strand). VCF-style: chr19-41970204-G-A. GRCh37 (hg19) VCF-style: chr19-42474356-G-A.
Other names: c.2556C>T, p.Ser852= (NM_001256213.2); c.2562C>T, p.Ser854= (NM_001256214.2).
Identifiers: ClinVar variation 515092 (VCV000515092.10), dbSNP rs1236093021, ClinGen allele CA507694621.